The following is an entry in ClinVar:

ClinVar aggregate classification (germline): Uncertain significance. Review status: criteria provided, multiple submitters, no conflicts (2 of 4 stars). 2 submissions from 2 submitters: Uncertain significance (2). Last evaluated 2025-04-28.

Submissions (2):

Labcorp Genetics (formerly Invitae), Labcorp
Classification: Uncertain significance. Last evaluated: 2025-04-28. Review status: criteria provided, single submitter. Criteria: Invitae Variant Classification Sherloc (09022015). Collection method: clinical testing. Allele origin: germline.
Comment: This sequence change replaces histidine, which is basic and polar, with glutamine, which is neutral and polar, at codon 198 of the BPGM protein (p.His198Gln). This variant is present in population databases (rs139392890, gnomAD 0.07%). This variant has not been reported in the literature in individuals affected with BPGM-related conditions. ClinVar contains an entry for this variant (Variation ID: 3261360). Invitae Evidence Modeling of protein sequence and biophysical properties (such as structural, functional, and spatial information, amino acid conservation, physicochemical variation, residue mobility, and thermodynamic stability) indicates that this missense variant is not expected to disrupt BPGM protein function with a negative predictive value of 80%. In summary, the available evidence is currently insufficient to determine the role of this variant in disease. Therefore, it has been classified as a Variant of Uncertain Significance.

Ambry Genetics
Classification: Uncertain significance. Last evaluated: 2024-04-01. Review status: criteria provided, single submitter. Criteria: Ambry Variant Classification Scheme 2023. Collection method: clinical testing. Allele origin: germline.

NM_001724.5(BPGM):c.594C>A (p.His198Gln)

Gene: BPGM (bisphosphoglycerate mutase; plus strand). Cytogenetic location: 7q33.
Variant type: single nucleotide variant.
Coding change: c.594C>A on transcript NM_001724.5 (MANE Select); coding-DNA position 594, C replaced by A.
Protein change: p.His198Gln; replaces histidine 198 with glutamine.
Molecular consequence: missense variant.
Genome position (GRCh38, 1-based): chr7:134,662,101, C>A. VCF-style: chr7-134662101-C-A. GRCh37 (hg19) VCF-style: chr7-134346853-C-A.
Other names: c.594C>A, p.His198Gln (NM_001293085.2, NM_199186.3); short protein forms H198Q.
Identifiers: ClinVar variation 3261360 (VCV003261360.3).